The following is an entry in ClinVar:

ClinVar aggregate classification (germline): Likely pathogenic (1 of 4 stars; one submission).

Conditions:
Developmental delay, hypotonia, musculoskeletal defects, and behavioral abnormalities. Identifiers: MedGen C5562012, MONDO:0859202, OMIM 619595.

Submission:

MVZ Praenatalmedizin und Genetik Nuernberg
Classification: Likely pathogenic for Developmental delay, hypotonia, musculoskeletal defects, and behavioral abnormalities. Last evaluated: 2026-02-17. Review status: criteria provided, single submitter. Criteria: ACMG Guidelines, 2015. Collection method: clinical testing. Allele origin: germline. Affected: yes.
Comment: The literature review did not reveal any information relevant to the classification and no functional analyses are available to date. The c.1135-2A>C variant in the SRCAP gene affects the highly conserved canonical acceptor splice site of exon 9 and computer-based predictions (in silico) conducted for this purpose have resulted in a pathogenic assessment of the variant. In summary, based on the current data we assess this variant as likely-pathogenic. Given the different phenotypes associated with pathogenic SRCAP variants, a variant affecting the canonical acceptor splice site of exon 9 would therefore be expected to result in a clinical presentation within the spectrum of the non-FLHS phenotype, which is described with variable and nonspecific phenotype (OMIM 619595).

NM_006662.3(SRCAP):c.1135-2A>C

Gene: SRCAP (Snf2 related CREBBP activator protein; plus strand). Cytogenetic location: 16p11.2.
Variant type: single nucleotide variant.
Coding change: c.1135-2A>C on transcript NM_006662.3 (MANE Select); the canonical splice acceptor site of the intron before coding-DNA position 1135, A replaced by C.
Molecular consequence: splice acceptor variant.
Genome position (GRCh38, 1-based): chr16:30,710,752, A>C. VCF-style: chr16-30710752-A-C. GRCh37 (hg19) VCF-style: chr16-30722073-A-C.
Identifiers: ClinVar variation 4813457 (VCV004813457.1).